The following is an entry in ClinVar:

ClinVar aggregate classification (germline): Likely benign (1 of 4 stars; one submission).

Allele frequency attached by ClinVar (database versions not stated): ExAC 0.00002.
gnomAD v4.1: 4 of 1,614,164 alleles (0.00025%); highest among the groups gnomAD compares: Non-Finnish European, 0.00034%; no homozygotes.

Submission:

GeneDx
Classification: Likely benign. Last evaluated: 2016-02-05. Review status: criteria provided, single submitter. Criteria: GeneDx Variant Classification (06012015). Collection method: clinical testing. Allele origin: germline. Affected: yes.
Comment: This variant is considered likely benign or benign based on one or more of the following criteria: it is a conservative change, it occurs at a poorly conserved position in the protein, it is predicted to be benign by multiple in silico algorithms, and/or has population frequency not consistent with disease.

NM_000350.3(ABCA4):c.1002G>C (p.Val334=)

Gene: ABCA4 (ATP binding cassette subfamily A member 4; minus strand). Cytogenetic location: 1p22.1.
Variant type: single nucleotide variant.
Coding change: c.1002G>C on transcript NM_000350.3 (MANE Select); coding-DNA position 1002, G replaced by C.
Protein change: p.Val334=; no amino-acid change (valine 334 retained).
Molecular consequence: synonymous variant.
Genome position (GRCh38, 1-based): chr1:94,080,575, C>G on the plus strand (G>C on the coding strand, the complement: ABCA4 is on the minus strand). VCF-style: chr1-94080575-C-G. GRCh37 (hg19) VCF-style: chr1-94546131-C-G.
Other names: c.1002G>C, p.Val334= (NM_001425324.1).
Identifiers: ClinVar variation 383743 (VCV000383743.1), dbSNP rs751548532, ClinGen allele CA958661.
Genomic context (GRCh38, chr1:94,080,575, plus strand): 5'-TGTGGAGTCAATCCCCAGAAAGGCCTTATAGTTATTGTCTTCATACCAGTTGAAGGAGAG[C>G]ACCCGAGAGCCACCTCCCTCGGGGTAGCCACACAGGAGGTCAGACAGGATGCCCATCAGC-3'
Protein context (NP_000341.2, residues 324-344): CGYPEGGGSR[Val334=]LSFNWYEDNN